The following is an entry in ClinVar:

ClinVar aggregate classification (germline): Benign/Likely benign. Review status: criteria provided, multiple submitters, no conflicts (2 of 4 stars). 6 submissions from 6 submitters: Benign (2); Likely benign (3). 1 of the submissions does not count toward it. Last evaluated 2026-08-01.

Conditions:
KDM3B-related disorder. Also called: KDM3B-related condition.
Inborn genetic diseases. Identifiers: MedGen C0950123, MeSH D030342.

Allele frequency attached by ClinVar (database versions not stated): 1000 Genomes Project 30x 0.00156; 1000 Genomes Project 0.00160; gnomAD 0.00294 and 0.00300; gnomAD exomes 0.00318 and 0.00360; TOPMed 0.00333; ESP Exome Variant Server 0.00354; ExAC 0.00356.
gnomAD v4.1: 5,153 of 1,614,114 alleles (0.32%); highest among the groups gnomAD compares: Middle Eastern, 0.89%; 24 homozygotes.

Submissions (6):

CeGaT Center for Human Genetics Tuebingen
Classification: Benign. Last evaluated: 2026-08-01. Review status: criteria provided, single submitter. Criteria: CeGaT Center For Human Genetics Tuebingen Variant Classification Criteria Version 2. Collection method: clinical testing. Allele origin: germline. Affected: yes. Observed: 17 variant alleles.
Comment: KDM3B: BP4, BS1, BS2

Blueprint Genetics
Classification: Likely benign. Last evaluated: 2024-11-25. Review status: criteria provided, single submitter. Criteria: ACMG Guidelines, 2015. Collection method: clinical testing. Allele origin: germline.

Ambry Genetics
Classification: Benign for Inborn genetic diseases. Last evaluated: 2021-09-28. Review status: criteria provided, single submitter. Criteria: Ambry Variant Classification Scheme 2023. Collection method: clinical testing. Allele origin: germline.

Labcorp Genetics (formerly Invitae), Labcorp
Classification: Likely benign. Last evaluated: 2019-12-31. Review status: criteria provided, single submitter. Criteria: Invitae Variant Classification Sherloc (09022015). Collection method: clinical testing. Allele origin: germline.

Breakthrough Genomics
Classification: Likely benign. Review status: criteria provided, single submitter. Criteria: ACMG Guidelines, 2015. Collection method: not provided. Allele origin: germline. Inheritance: Autosomal dominant inheritance. Affected: yes.

PreventionGenetics, part of Exact Sciences
Classification: Benign for KDM3B-related condition. Last evaluated: 2019-11-21. Review status: no assertion criteria provided. Collection method: clinical testing. Allele origin: germline. Not counted in ClinVar's aggregate classification.
Comment: This variant is classified as benign based on ACMG/AMP sequence variant interpretation guidelines (Richards et al. 2015 PMID: 25741868, with internal and published modifications).

NM_016604.4(KDM3B):c.1848G>T (p.Glu616Asp)

Gene: KDM3B (lysine demethylase 3B; plus strand). Cytogenetic location: 5q31.2.
Variant type: single nucleotide variant.
Coding change: c.1848G>T on transcript NM_016604.4 (MANE Select); coding-DNA position 1848, G replaced by T.
Protein change: p.Glu616Asp; replaces glutamic acid 616 with aspartic acid.
Molecular consequence: missense variant.
Genome position (GRCh38, 1-based): chr5:138,391,480, G>T. VCF-style: chr5-138391480-G-T. GRCh37 (hg19) VCF-style: chr5-137727169-G-T.
Other names: short protein forms E616D.
Identifiers: ClinVar variation 715401 (VCV000715401.32), dbSNP rs34608821, ClinGen allele CA3428968.
Genomic context (GRCh38, chr5:138,391,480, plus strand): 5'-GTCCATGCCCACCCTCACTCCAGCCTTCCCACGGAGCCTCCTAAATGCCCGTACCCCAGA[G>T]AATCATGAAAATCTATTTTTACAGCCCCCCAAATTGTCCCGAGAAGAGCCTTCTAATCCT-3'
Protein context (NP_057688.3, residues 606-626): PRSLLNARTP[Glu616Asp]NHENLFLQPP